The following is an entry in ClinVar:

NM_000548.5(TSC2):c.3815-18C>G

Gene: TSC2 (TSC complex subunit 2; plus strand). Cytogenetic location: 16p13.3.
Variant type: single nucleotide variant.
Coding change: c.3815-18C>G on transcript NM_000548.5 (MANE Select); 18 bases into the intron before coding-DNA position 3815, C replaced by G.
Molecular consequence: intron variant.
Genome position (GRCh38, 1-based): chr16:2,082,418, C>G. VCF-style: chr16-2082418-C-G. GRCh37 (hg19) VCF-style: chr16-2132419-C-G.
Other names: c.3814+620C>G (NM_001114382.3); c.3686-18C>G (NM_021055.3, NM_001370405.1); c.3685+620C>G (NM_001363528.2); c.3683-18C>G (NM_001370404.1); c.3682+620C>G (NM_001077183.3); c.3574+620C>G (NM_001318827.2); c.3083-18C>G (NM_001318831.2); c.3538+620C>G (NM_001318829.2); and 1 more.
Identifiers: ClinVar variation 1525781 (VCV001525781.6), dbSNP rs947736117, ClinGen allele CA2202040161.

ClinVar aggregate classification (germline): Uncertain significance (1 of 4 stars; one submission).

Conditions:
Tuberous sclerosis 2 (TSC2). Identifiers: Orphanet 805, MedGen C1860707, MONDO:0013199, OMIM 613254.

gnomAD v4.1: 1 of 1,612,432 alleles (0.000062%); highest among the groups gnomAD compares: Non-Finnish European, 0.000085%; no homozygotes.

Submission:

Labcorp Genetics (formerly Invitae), Labcorp
Classification: Uncertain significance for Tuberous sclerosis 2. Last evaluated: 2022-04-06. Review status: criteria provided, single submitter. Criteria: Invitae Variant Classification Sherloc (09022015). Collection method: clinical testing. Allele origin: germline.
Comment: Algorithms developed to predict the effect of sequence changes on RNA splicing suggest that this variant may disrupt the consensus splice site. This variant has not been reported in the literature in individuals affected with TSC2-related conditions. This variant is not present in population databases (gnomAD no frequency). This sequence change falls in intron 31 of the TSC2 gene. It does not directly change the encoded amino acid sequence of the TSC2 protein. In summary, the available evidence is currently insufficient to determine the role of this variant in disease. Therefore, it has been classified as a Variant of Uncertain Significance.